The following is an entry in ClinVar:

NM_001330078.2(NRXN1):c.772+1066T>C

Gene: NRXN1 (neurexin 1; minus strand). Cytogenetic location: 2p16.3.
Variant type: single nucleotide variant.
Coding change: c.772+1066T>C on transcript NM_001330078.2 (MANE Select); 1066 bases into the intron after coding-DNA position 772, T replaced by C.
Molecular consequence: intron variant. On other transcripts: missense variant (1).
Genome position (GRCh38, 1-based): chr2:51,026,436, A>G on the plus strand (T>C on the coding strand, the complement: NRXN1 is on the minus strand). VCF-style: chr2-51026436-A-G. GRCh37 (hg19) VCF-style: chr2-51253574-A-G.
Other names: c.806T>C, p.Val269Ala (NM_001135659.3); c.772+1066T>C (NM_001330096.2, NM_001330087.2, NM_001330083.2 and 14 more transcripts); short protein forms V269A.
Identifiers: ClinVar variation 838320 (VCV000838320.9), dbSNP rs1355313898, ClinGen allele CA346823225.

ClinVar aggregate classification (germline): Uncertain significance (1 of 4 stars; one submission).

Conditions:
Pitt-Hopkins-like syndrome 2 (PTHSL2). Identifiers: Orphanet 221150, Orphanet 600663, MedGen C3280479, MONDO:0013690, OMIM 614325.

Allele frequency attached by ClinVar (database versions not stated): TOPMed 0.00002; gnomAD 0.00003.
gnomAD v4.1: 5 of 1,605,348 alleles (0.00031%); highest among the groups gnomAD compares: African/African-American, 0.0053%; no homozygotes.

Submission:

Labcorp Genetics (formerly Invitae), Labcorp
Classification: Uncertain significance for Pitt-Hopkins-like syndrome 2. Last evaluated: 2025-07-30. Review status: criteria provided, single submitter. Criteria: Invitae Variant Classification Sherloc (09022015). Collection method: clinical testing. Allele origin: germline.
Comment: This sequence change replaces valine, which is neutral and non-polar, with alanine, which is neutral and non-polar, at codon 269 of the NRXN1 protein (p.Val269Ala). This variant is not present in population databases (gnomAD no frequency). This variant has not been reported in the literature in individuals affected with NRXN1-related conditions. ClinVar contains an entry for this variant (Variation ID: 838320). An algorithm developed to predict the effect of missense changes on protein structure and function (PolyPhen-2) suggests that this variant is likely to be tolerated. In summary, the available evidence is currently insufficient to determine the role of this variant in disease. Therefore, it has been classified as a Variant of Uncertain Significance.